The following is an entry in ClinVar:

NC_000002.12:g.(?_47373463)_(47377077_?)del

Gene: EPCAM (epithelial cell adhesion molecule; plus strand). Cytogenetic location: 2p21.
Variant type: Deletion.
Identifiers: ClinVar variation 583448 (VCV000583448.1).

ClinVar aggregate classification (germline): Pathogenic (1 of 4 stars; one submission).

Conditions:
Hereditary nonpolyposis colorectal neoplasms. Identifiers: MedGen C0009405, MeSH D003123.

Submission:

Labcorp Genetics (formerly Invitae), Labcorp
Classification: Pathogenic for Hereditary nonpolyposis colon cancer. Last evaluated: 2018-06-13. Review status: criteria provided, single submitter. Criteria: Invitae Variant Classification Sherloc (09022015). Collection method: clinical testing. Allele origin: germline.
Comment: This variant is an out-of-frame deletion of the genomic region encompassing exons 2-7 of the EPCAM gene. This is expected to create a premature translational stop signal and result in an absent or disrupted protein product. A similar deletion has not been reported in the literature in individuals with EPCAM-related disease. Loss-of-function variants in EPCAM are known to be pathogenic (PMID: 21315192, 20034091). For these reasons, this variant has been classified as Pathogenic.